The following is an entry in ClinVar:

ClinVar aggregate classification (germline): Uncertain significance (1 of 4 stars; one submission).

Submission:

Labcorp Genetics (formerly Invitae), Labcorp
Classification: Uncertain significance. Last evaluated: 2025-12-15. Review status: criteria provided, single submitter. Criteria: Invitae Variant Classification Sherloc (09022015). Collection method: clinical testing. Allele origin: germline.
Comment: This sequence change replaces glutamic acid, which is acidic and polar, with aspartic acid, which is acidic and polar, at codon 337 of the TRIP4 protein (p.Glu337Asp). This variant is not present in population databases (gnomAD no frequency). This variant has not been reported in the literature in individuals affected with TRIP4-related conditions. Invitae Evidence Modeling of protein sequence and biophysical properties (such as structural, functional, and spatial information, amino acid conservation, physicochemical variation, residue mobility, and thermodynamic stability) indicates that this missense variant is not expected to disrupt TRIP4 protein function with a negative predictive value of 80%. In summary, the available evidence is currently insufficient to determine the role of this variant in disease. Therefore, it has been classified as a Variant of Uncertain Significance.

NM_016213.5(TRIP4):c.1011A>C (p.Glu337Asp)

Gene: TRIP4 (thyroid hormone receptor interactor 4; plus strand). Cytogenetic location: 15q22.31.
Variant type: single nucleotide variant.
Coding change: c.1011A>C on transcript NM_016213.5 (MANE Select); coding-DNA position 1011, A replaced by C.
Protein change: p.Glu337Asp; replaces glutamic acid 337 with aspartic acid.
Molecular consequence: missense variant. On other transcripts: non-coding transcript variant (1).
Genome position (GRCh38, 1-based): chr15:64,409,796, A>C. VCF-style: chr15-64409796-A-C. GRCh37 (hg19) VCF-style: chr15-64701995-A-C.
Other names: c.321A>C, p.Glu107Asp (NM_001321924.2); short protein forms E107D, E337D.
Identifiers: ClinVar variation 4781904 (VCV004781904.1).
Genomic context (GRCh38, chr15:64,409,796, plus strand): 5'-ACACGCCTCTCGACTTTCTAAGAAGGTCACCATTGACTTTGCAGGAAGGAAGATCCTGGA[A>C]GAAGAAAATTCACTAGCAGAGTATCATAGCAGGTAAGTGAGCAGCACTAGAAAGGGTCTC-3'
Protein context (NP_057297.2, residues 327-347): TIDFAGRKIL[Glu337Asp]EENSLAEYHS